The following is an entry in ClinVar:

ClinVar aggregate classification (germline): Uncertain significance (1 of 4 stars; one submission).

Conditions:
Hereditary cancer-predisposing syndrome. Also called: Tumor predisposition; Hereditary Cancer Syndrome; Hereditary neoplastic syndrome; Neoplastic Syndromes, Hereditary. Identifiers: Orphanet 140162, MedGen C0027672, MeSH D009386, MONDO:0015356.

Submission:

Ambry Genetics
Classification: Uncertain significance for Hereditary cancer-predisposing syndrome. Last evaluated: 2024-04-08. Review status: criteria provided, single submitter. Criteria: Ambry Variant Classification Scheme 2023. Collection method: clinical testing. Allele origin: germline.
Comment: The p.R732L variant (also known as c.2195G>T), located in coding exon 4 of the MSH6 gene, results from a G to T substitution at nucleotide position 2195. The arginine at codon 732 is replaced by leucine, an amino acid with dissimilar properties. This amino acid position is highly conserved in available vertebrate species. In addition, this alteration is predicted to be deleterious by in silico analysis. Based on the available evidence, the clinical significance of this variant remains unclear.

NM_000179.3(MSH6):c.2195G>T (p.Arg732Leu)

Gene: MSH6 (mutS homolog 6; plus strand). Cytogenetic location: 2p16.3.
Variant type: single nucleotide variant.
Coding change: c.2195G>T on transcript NM_000179.3 (MANE Select); coding-DNA position 2195, G replaced by T.
Protein change: p.Arg732Leu; replaces arginine 732 with leucine.
Molecular consequence: missense variant. On other transcripts: non-coding transcript variant (5), intron variant (2).
Genome position (GRCh38, 1-based): chr2:47,800,178, G>T. VCF-style: chr2-47800178-G-T. GRCh37 (hg19) VCF-style: chr2-48027317-G-T.
Other names: c.2117G>T, p.Arg706Leu (NM_001406804.1); c.1898G>T, p.Arg633Leu (NM_001406805.1, NM_001406825.1, NM_001406827.1 and 10 more transcripts); c.1670G>T, p.Arg557Leu (NM_001406806.1, NM_001406807.1, NM_001406799.1); c.2195G>T, p.Arg732Leu (NM_001406808.1, NM_001406809.1, NM_001406800.1 and 3 more transcripts); c.1289G>T, p.Arg430Leu (NM_001406811.1, NM_001406812.1, NM_001406829.1 and 6 more transcripts); c.2201G>T, p.Arg734Leu (NM_001406813.1); c.2027G>T, p.Arg676Leu (NM_001406826.1); c.2291G>T, p.Arg764Leu (NM_001406802.1, NM_001406795.1); and 3 more; short protein forms R676L, R732L, R430L, R633L, R557L, R706L, R734L, R764L.
Identifiers: ClinVar variation 3296362 (VCV003296362.1).